The following is an entry in ClinVar:

ClinVar aggregate classification (germline): Pathogenic/Likely pathogenic. Review status: criteria provided, multiple submitters, no conflicts (2 of 4 stars). 2 submissions from 2 submitters: Pathogenic (1); Likely pathogenic (1). Last evaluated 2021-12-09.

Conditions:
Hereditary cancer-predisposing syndrome. Also called: Neoplastic Syndromes, Hereditary; Tumor predisposition; Hereditary Cancer Syndrome; Hereditary neoplastic syndrome. Identifiers: Orphanet 140162, MedGen C0027672, MeSH D009386, MONDO:0015356.
Ataxia-telangiectasia-like disorder 1 (ATLD1). Identifiers: Orphanet 251347, MedGen C4012790, MONDO:0024557, OMIM 604391.

Submissions (2):

Baylor Genetics
Classification: Likely pathogenic for Ataxia-telangiectasia-like disorder 1. Last evaluated: 2021-12-09. Review status: criteria provided, single submitter. Criteria: ACMG Guidelines, 2015. Collection method: clinical testing. Allele origin: unknown.

Ambry Genetics
Classification: Pathogenic for Hereditary cancer-predisposing syndrome. Last evaluated: 2020-07-09. Review status: criteria provided, single submitter. Criteria: Ambry Variant Classification Scheme 2023. Collection method: clinical testing. Allele origin: germline.
Comment: The c.1441dupA pathogenic mutation, located in coding exon 12 of the MRE11A gene, results from a duplication of A at nucleotide position 1441, causing a translational frameshift with a predicted alternate stop codon (p.T481Nfs*6). This alteration is expected to result in loss of function by premature protein truncation or nonsense-mediated mRNA decay. As such, this alteration is interpreted as a disease-causing mutation.

NM_005591.4(MRE11):c.1441dup (p.Thr481fs)

Gene: MRE11 (MRE11 double strand break repair nuclease; minus strand). Cytogenetic location: 11q21.
Variant type: Duplication.
Coding change: c.1441dup on transcript NM_005591.4 (MANE Select); coding-DNA position 1441, one base duplicated (A; older notation c.1441dupA).
Protein change: p.Thr481fs; shifts the reading frame from threonine 481.
Molecular consequence: frameshift variant.
Genome position (GRCh38, 1-based): chr11:94,459,467, T duplicated on the plus strand (A on the coding strand, the reverse complement: MRE11 is on the minus strand); the first of 6 consecutive T bases (chr11:94,459,467-94,459,472); duplicating any one gives the same sequence. VCF-style (leftmost placement, unchanged base first): chr11-94459466-G-GT. GRCh37 (hg19) VCF-style: chr11-94192632-G-GT.
Other names: c.1441dup, p.Thr481fs (NM_001330347.2, NM_005590.4); c.1441dupA (NM_005591.3); c.1441dup (NM_005591.3); short protein forms T481fs.
Identifiers: ClinVar variation 1800330 (VCV001800330.3), dbSNP rs747832587, ClinGen allele CA601193686.